The following is an entry in ClinVar:

ClinVar aggregate classification (germline): Pathogenic. Review status: reviewed by expert panel (3 of 4 stars). 2 submissions from 2 submitters: Pathogenic (1). 1 of the submissions does not count toward it. Last evaluated 2017-12-15.

Conditions:
Breast-ovarian cancer, familial, susceptibility to, 1 (BROVCA1). Also called: BRCA1 Hereditary Breast and Ovarian Cancer; OVARIAN CANCER, SUSCEPTIBILITY TO. Identifiers: Orphanet 145, MedGen C2676676, MONDO:0011450, OMIM 604370. Disease mechanism: loss of function.
Familial cancer of breast. Also called: hereditary breast carcinoma; BREAST CANCER, FAMILIAL; Hereditary breast cancer. Identifiers: Orphanet 227535, MedGen C0346153, MONDO:0016419, OMIM 114480. Disease mechanism: loss of function.

Submissions (2):

Evidence-based Network for the Interpretation of Germline Mutant Alleles (ENIGMA)
Classification: Pathogenic for Breast-ovarian cancer, familial, susceptibility to, 1. Last evaluated: 2017-12-15. Review status: reviewed by expert panel. Criteria: ENIGMA BRCA1/2 Classification Criteria (2017-06-29). Collection method: curation. Allele origin: germline. Study: ENIGMA.
Comment: Variant allele predicted to encode a truncated non-functional protein.

ClinVar Staff, National Center for Biotechnology Information (NCBI)
No classification provided. Condition: Familial cancer of breast. Review status: no classification provided. Collection method: literature only. Allele origin: germline. Affected: yes. Not counted in ClinVar's aggregate classification.

Literature cited by the submitters: PubMed 16457150 (cited by ClinVar Staff, National Center for Biotechnology Information (NCBI)).

NM_007294.4(BRCA1):c.437_440del (p.Ser146fs)

Gene: BRCA1 (BRCA1 DNA repair associated; minus strand). Cytogenetic location: 17q21.31.
Variant type: Microsatellite.
Coding change: c.437_440del on transcript NM_007294.4 (MANE Select); coding-DNA positions 437 to 440, 4 bases deleted (CCTT; older notation c.437_440delCCTT).
Protein change: p.Ser146fs; shifts the reading frame from serine 146.
Molecular consequence: frameshift variant. On other transcripts: non-coding transcript variant (1).
Genome position (GRCh38, 1-based): chr17:43,104,123-43,104,126, AAGG deleted on the plus strand (CCTT on the coding strand, the reverse complement: BRCA1 is on the minus strand); deleting any 4 consecutive bases within chr17:43,104,123-43,104,131 gives the same sequence; the c. name uses the placement nearest the transcript's 3' end. VCF-style (leftmost placement, unchanged base first): chr17-43104122-CAAGG-C. GRCh37 (hg19) VCF-style: chr17-41256139-CAAGG-C.
Other names: c.437_440delCCTT (NM_007294.3); c.291_294TCCT[1], p.Ser99Trpfs (NM_001408511.1, NM_001407740.1, NM_001407741.1 and 35 more transcripts); c.51_54TCCT[1], p.Ser19Cysfs (NM_001408512.1, NM_001407959.1, NM_001407960.1 and 3 more transcripts); c.222_225TCCT[1], p.Ser76Cysfs (NM_001408513.1, NM_001408514.1, NM_001407879.1 and 37 more transcripts); c.296_299del, p.Ser99fs (NM_007297.4); c.432_435TCCT[1], p.Ser146Cysfs (NM_007298.4, NM_007304.2, NM_001407625.1 and 95 more transcripts); c.437_440del, p.Ser146fs (NM_007299.4, NM_007300.4); c.432_435TCCT[1], p.Ser146Trpfs (NM_001407627.1, NM_001407628.1, NM_001407629.1 and 65 more transcripts); and 7 more; short protein forms S146fs, S99fs.
Identifiers: ClinVar variation 55186 (VCV000055186.3), dbSNP rs397509168, ClinGen allele CA002806.